The following is an entry in ClinVar:

ClinVar aggregate classification (germline): Likely benign (1 of 4 stars; one submission).

gnomAD v4.1: 1 of 1,444,694 alleles (0.000069%); no homozygotes.

Submission:

CeGaT Center for Human Genetics Tuebingen
Classification: Likely benign. Last evaluated: 2023-08-01. Review status: criteria provided, single submitter. Criteria: CeGaT Center For Human Genetics Tuebingen Variant Classification Criteria Version 2. Collection method: clinical testing. Allele origin: germline. Affected: yes. Observed: 1 variant allele.
Comment: MUC4: PM2:Supporting, BP4, BP7

NM_018406.7(MUC4):c.12003T>A (p.Leu4001=)

Gene: MUC4 (mucin 4, cell surface associated). Cytogenetic location: 3q29.
Variant type: single nucleotide variant.
Coding change: c.12003T>A on transcript NM_018406.7 (MANE Select); coding-DNA position 12003, T replaced by A.
Protein change: p.Leu4001=; no amino-acid change (leucine 4001 retained).
Molecular consequence: synonymous variant. On other transcripts: genic upstream transcript variant (2).
Genome position (GRCh38, 1-based): chr3:195,779,577, A>T on the plus strand (T>A on the coding strand, the complement: MUC4 is on the minus strand). VCF-style: chr3-195779577-A-T. GRCh37 (hg19) VCF-style: chr3-195506448-A-T.
Other names: c.83-5272T>A (NM_138297.5); c.83-1122T>A (NM_004532.6); c.17301T>A, p.Val5767= (NM_001322468.1).
Identifiers: ClinVar variation 2654392 (VCV002654392.24), dbSNP rs2474508726, ClinGen allele CA438035373.